The following is an entry in ClinVar:

NM_006940.6(SOX5):c.1164+6C>T

Gene: SOX5 (SRY-box transcription factor 5; minus strand). Cytogenetic location: 12p12.1.
Variant type: single nucleotide variant.
Coding change: c.1164+6C>T on transcript NM_006940.6 (MANE Select); 6 bases into the intron after coding-DNA position 1164, C replaced by T.
Molecular consequence: intron variant.
Genome position (GRCh38, 1-based): chr12:23,604,381, G>A on the plus strand (C>T on the coding strand, the complement: SOX5 is on the minus strand). VCF-style: chr12-23604381-G-A. GRCh37 (hg19) VCF-style: chr12-23757315-G-A.
Other names: c.1125+6C>T (NM_152989.5, NM_001261414.3); c.1134+6C>T (NM_001261415.3); c.1059+6C>T (NM_001330785.2).
Identifiers: ClinVar variation 3048347 (VCV003048347.2), dbSNP rs201369586, ClinGen allele CA6484125.
Genomic context (GRCh38, chr12:23,604,381, plus strand): 5'-TTAATAAATACCATTGAATGAAAAATAAAGCTAAGTGGCAAGACAGTGGCTTCTTCAAAA[G>A]GGTACCTTGCTTTTGGGTGGTGGGCTGTTTGTGCTCTTGTCTGTGTGAATGCTGGTAGGA-3'

ClinVar aggregate classification (germline): Likely benign (0 of 4 stars; one submission).

Conditions:
SOX5-related disorder. Also called: SOX5-related condition.

Allele frequency attached by ClinVar (database versions not stated): 1000 Genomes Project 0.00040; 1000 Genomes Project 30x 0.00047; TOPMed 0.00064.
gnomAD v4.1: 164 of 1,613,432 alleles (0.01%); highest among the groups gnomAD compares: African/African-American, 0.19%; 1 homozygote.

Submission:

PreventionGenetics, part of Exact Sciences
Classification: Likely benign for SOX5-related condition. Last evaluated: 2019-12-05. Review status: no assertion criteria provided. Collection method: clinical testing. Allele origin: germline.
Comment: This variant is classified as likely benign based on ACMG/AMP sequence variant interpretation guidelines (Richards et al. 2015 PMID: 25741868, with internal and published modifications).